The following is an entry in ClinVar:

ClinVar aggregate classification (germline): Conflicting classifications of pathogenicity. Review status: criteria provided, conflicting classifications (1 of 4 stars). 7 submissions from 7 submitters: Uncertain significance (1); Benign (1); Likely benign (4). 1 of the submissions does not count toward it. Last evaluated 2026-08-01.

Conditions:
OTOF-related disorder. Also called: OTOF-related condition.
Autosomal recessive nonsyndromic hearing loss 9. Also called: AUDITORY NEUROPATHY, AUTOSOMAL RECESSIVE, 1, TEMPERATURE-SENSITIVE; NEUROSENSORY NONSYNDROMIC RECESSIVE DEAFNESS 9; OTOF-Related Hearing Loss; Deafness, autosomal recessive 9. Identifiers: Orphanet 90636, MedGen C1832828, MONDO:0010986, OMIM 601071.

Allele frequency attached by ClinVar (database versions not stated): gnomAD 0.00004 and 0.00042; TOPMed 0.00006; gnomAD exomes 0.00068 and 0.00143; ExAC 0.00171; 1000 Genomes Project 30x 0.00234; 1000 Genomes Project 0.00260.
gnomAD v4.1: 1,045 of 1,614,002 alleles (0.065%); highest among the groups gnomAD compares: South Asian, 1%; 12 homozygotes.

Submissions (7):

CeGaT Center for Human Genetics Tuebingen
Classification: Likely benign. Last evaluated: 2026-08-01. Review status: criteria provided, single submitter. Criteria: CeGaT Center For Human Genetics Tuebingen Variant Classification Criteria Version 2. Collection method: clinical testing. Allele origin: germline. Affected: yes. Observed: 2 variant alleles.
Comment: OTOF: BP4, BP7, BS1

Labcorp Genetics (formerly Invitae), Labcorp
Classification: Benign. Last evaluated: 2026-01-28. Review status: criteria provided, single submitter. Criteria: Invitae Variant Classification Sherloc (09022015). Collection method: clinical testing. Allele origin: germline.

Blueprint Genetics
Classification: Likely benign. Last evaluated: 2024-11-08. Review status: criteria provided, single submitter. Criteria: ACMG Guidelines, 2015. Collection method: clinical testing. Allele origin: germline.

GeneDx
Classification: Likely benign. Last evaluated: 2021-04-30. Review status: criteria provided, single submitter. Criteria: GeneDx Variant Classification Process June 2021. Collection method: clinical testing. Allele origin: germline. Affected: yes.

Illumina Laboratory Services, Illumina
Classification: Uncertain significance for Autosomal recessive nonsyndromic hearing loss 9. Last evaluated: 2018-03-30. Review status: criteria provided, single submitter. Criteria: ICSL Variant Classification Criteria 13 December 2019. Collection method: clinical testing. Allele origin: germline.

Laboratory for Molecular Medicine, Mass General Brigham Personalized Medicine
Classification: Likely benign. Last evaluated: 2013-09-07. Review status: criteria provided, single submitter. Criteria: LMM Criteria. Collection method: clinical testing. Allele origin: germline. Observed: 2 variant alleles.
Comment: Asn439Asn in Exon 13 of OTOF: This variant is not expected to have clinical sign ificance because it does not alter an amino acid residue and it is not located w ithin the splice consensus sequence. This variant has been identified in 0.08% ( 1/1324) of European chromosomes by the ClinSeq Agilent Project (CSAgilent; dbSNP rs201171459).

PreventionGenetics, part of Exact Sciences
Classification: Benign for OTOF-related condition. Last evaluated: 2019-06-15. Review status: no assertion criteria provided. Collection method: clinical testing. Allele origin: germline. Not counted in ClinVar's aggregate classification.
Comment: This variant is classified as benign based on ACMG/AMP sequence variant interpretation guidelines (Richards et al. 2015 PMID: 25741868, with internal and published modifications).

NM_194248.3(OTOF):c.1317T>C (p.Asn439=)

Gene: OTOF (otoferlin; minus strand). Cytogenetic location: 2p23.3.
Variant type: single nucleotide variant.
Coding change: c.1317T>C on transcript NM_194248.3 (MANE Select); coding-DNA position 1317, T replaced by C.
Protein change: p.Asn439=; no amino-acid change (asparagine 439 retained).
Molecular consequence: synonymous variant.
Genome position (GRCh38, 1-based): chr2:26,483,537, A>G on the plus strand (T>C on the coding strand, the complement: OTOF is on the minus strand). VCF-style: chr2-26483537-A-G. GRCh37 (hg19) VCF-style: chr2-26706405-A-G.
Other names: c.1317T>C, p.Asn439= (NM_001287489.2).
Identifiers: ClinVar variation 164872 (VCV000164872.23), dbSNP rs201171459, ClinGen allele CA177563.
Genomic context (GRCh38, chr2:26,483,537, plus strand): 5'-GAAGACTTGCACGTAGGGGTCCACGAGGTCCTTGTTTTCACCGATGAAAGCCTTCTTTAC[A>G]TTGGCCATGAGGCTTGTGTTCATACGGGGCAGCCCCTCTGCTCGGTAAATTTTCACATAG-3'
Protein context (NP_919224.1, residues 429-449): LPRMNTSLMA[Asn439=]VKKAFIGENK